The following is an entry in ClinVar:

ClinVar aggregate classification (germline): Conflicting classifications of pathogenicity. Review status: criteria provided, conflicting classifications (1 of 4 stars). 3 submissions from 3 submitters: Uncertain significance (1); Likely benign (2). Last evaluated 2026-06-01.

Conditions:
Hypermanganesemia with dystonia, polycythemia, and cirrhosis (HMNDYT1). Also called: Hepatic Cirrhosis, Dystonia, Polycythemia and Hypermanganesemia; Hypermanganesemia with Dystonia 1; Cirrhosis - dystonia - polycythemia - hypermanganesemia syndrome. Identifiers: Orphanet 309854, MedGen C2750442, MONDO:0013208, OMIM 613280.

Allele frequency attached by ClinVar (database versions not stated): TOPMed 0.00024; gnomAD exomes 0.00031 and 0.00044; gnomAD 0.00034 and 0.00038; ESP Exome Variant Server 0.00038; ExAC 0.00051.

Submissions (3):

CeGaT Center for Human Genetics Tuebingen
Classification: Likely benign. Last evaluated: 2026-06-01. Review status: criteria provided, single submitter. Criteria: CeGaT Center For Human Genetics Tuebingen Variant Classification Criteria Version 2. Collection method: clinical testing. Allele origin: germline. Affected: yes. Observed: 6 variant alleles.
Comment: SLC30A10: BP4, BP7

Labcorp Genetics (formerly Invitae), Labcorp
Classification: Likely benign. Last evaluated: 2026-01-19. Review status: criteria provided, single submitter. Criteria: Invitae Variant Classification Sherloc (09022015). Collection method: clinical testing. Allele origin: germline.

Illumina Laboratory Services, Illumina
Classification: Uncertain significance for Hypermanganesemia with dystonia, polycythemia, and cirrhosis. Last evaluated: 2018-01-13. Review status: criteria provided, single submitter. Criteria: ICSL Variant Classification Criteria 13 December 2019. Collection method: clinical testing. Allele origin: germline.

NM_018713.3(SLC30A10):c.789T>C (p.Tyr263=)

Gene: SLC30A10 (solute carrier family 30 member 10; minus strand). Cytogenetic location: 1q41.
Variant type: single nucleotide variant.
Coding change: c.789T>C on transcript NM_018713.3 (MANE Select); coding-DNA position 789, T replaced by C.
Protein change: p.Tyr263=; no amino-acid change (tyrosine 263 retained).
Molecular consequence: synonymous variant. On other transcripts: non-coding transcript variant (2).
Genome position (GRCh38, 1-based): chr1:219,918,424, A>G on the plus strand (T>C on the coding strand, the complement: SLC30A10 is on the minus strand). VCF-style: chr1-219918424-A-G. GRCh37 (hg19) VCF-style: chr1-220091766-A-G.
Other names: c.600T>C, p.Tyr200= (NM_001376929.1).
Identifiers: ClinVar variation 875814 (VCV000875814.35), dbSNP rs138025172, ClinGen allele CA1399231.
Genomic context (GRCh38, chr1:219,918,424, plus strand): 5'-CAGGCTGGGGTCAATGTAACACTGCCAGTTACACGGGTCCTCACTCTTCAGGGGAAGCAC[A>G]TAGAATATGATGGCCGTGATGACCACAACCACGGACCCCAGGGCATCTCCCATCACATGC-3'
Protein context (NP_061183.2, residues 253-273): VVVVITAIIF[Tyr263=]VLPLKSEDPC